The following is an entry in ClinVar:

NM_000053.4(ATP7B):c.3716T>G (p.Val1239Gly)

Gene: ATP7B (ATPase copper transporting beta; minus strand). Cytogenetic location: 13q14.3.
Variant type: single nucleotide variant.
Coding change: c.3716T>G on transcript NM_000053.4 (MANE Select); coding-DNA position 3716, T replaced by G.
Protein change: p.Val1239Gly; replaces valine 1239 with glycine.
Molecular consequence: missense variant.
Genome position (GRCh38, 1-based): chr13:51,937,663, A>C on the plus strand (T>G on the coding strand, the complement: ATP7B is on the minus strand). VCF-style: chr13-51937663-A-C. GRCh37 (hg19) VCF-style: chr13-52511799-A-C.
Other names: c.3095T>G, p.Val1032Gly (NM_001005918.3); c.3383T>G, p.Val1128Gly (NM_001243182.2); c.3482T>G, p.Val1161Gly (NM_001330578.2); c.3464T>G, p.Val1155Gly (NM_001330579.2); short protein forms V1239G, V1128G, V1155G, V1161G, V1032G.
Identifiers: ClinVar variation 456557 (VCV000456557.25), dbSNP rs374628199, ClinGen allele CA6988580.

ClinVar aggregate classification (germline): Conflicting classifications of pathogenicity. Review status: criteria provided, conflicting classifications (1 of 4 stars). 11 submissions from 11 submitters: Likely pathogenic (8); Uncertain significance (1). 2 of the submissions do not count toward it. Last evaluated 2026-01-14.

Conditions:
Inborn genetic diseases. Identifiers: MedGen C0950123, MeSH D030342.
Wilson disease (WND). Also called: Wilson's disease. Identifiers: Orphanet 905, MedGen C0019202, MONDO:0010200, OMIM 277900. Disease mechanism: loss of function.

Allele frequency attached by ClinVar (database versions not stated): gnomAD exomes below 0.00001 and 0.00001; TOPMed below 0.00001; ExAC 0.00001; gnomAD 0.00001; ESP Exome Variant Server 0.00008.
gnomAD v4.1: 21 of 1,614,106 alleles (0.0013%); highest among the groups gnomAD compares: Non-Finnish European, 0.0018%; no homozygotes.

Submissions (11):

Labcorp Genetics (formerly Invitae), Labcorp
Classification: Likely pathogenic for Wilson disease. Last evaluated: 2026-01-14. Review status: criteria provided, single submitter. Criteria: Invitae Variant Classification Sherloc (09022015). Collection method: clinical testing. Allele origin: germline.
Comment: This sequence change replaces valine, which is neutral and non-polar, with glycine, which is neutral and non-polar, at codon 1239 of the ATP7B protein (p.Val1239Gly). This variant is present in population databases (rs374628199, gnomAD 0.0009%). This missense change has been observed in individual(s) with clinical features of Wilson disease (PMID: 10502777, 23518715, 34470610; internal data). ClinVar contains an entry for this variant (Variation ID: 456557). Invitae Evidence Modeling of protein sequence and biophysical properties (such as structural, functional, and spatial information, amino acid conservation, physicochemical variation, residue mobility, and thermodynamic stability) indicates that this missense variant is expected to disrupt ATP7B protein function with a positive predictive value of 80%. Experimental studies have shown that this missense change affects ATP7B function (PMID: 22692182). This variant disrupts the p.Val1239 amino acid residue in ATP7B. Other variant(s) that disrupt this residue have been determined to be pathogenic (PMID: 27022412, 35220961, 39093796). This suggests that this residue is clinically significant, and that variants that disrupt this residue are likely to be disease-causing. In summary, the currently available evidence indicates that the variant is pathogenic, but additional data are needed to prove that conclusively. Therefore, this variant has been classified as Likely Pathogenic.

Women's Health and Genetics/Laboratory Corporation of America, LabCorp
Classification: Likely pathogenic for Wilson disease. Last evaluated: 2026-01-11. Review status: criteria provided, single submitter. Criteria: LabCorp Variant Classification Summary - May 2015. Collection method: clinical testing. Allele origin: germline.
Comment: Variant summary: ATP7B c.3716T>G (p.Val1239Gly) results in a non-conservative amino acid change in the encoded protein sequence. Algorithms developed to predict the effect of missense changes on protein structure and function all suggest that this variant is likely to be disruptive. The variant allele was found at a frequency of 4e-06 in 249548 control chromosomes. c.3716T>G has been observed in individual(s) affected with Wilson Disease (examples: Coffey_2013, Curtis_1999, Li_2021, internal data). These data indicate that the variant may be associated with disease. At least one publication reports experimental evidence evaluating an impact on protein function. The most pronounced variant effect results in low protein expression and function (Luoma_2010). The following publications have been ascertained in the context of this evaluation (PMID: 20333758, 10502777, 23518715 , 34470610). ClinVar contains an entry for this variant (Variation ID: 456557). Based on the evidence outlined above, the variant was classified as likely pathogenic.

ARUP Laboratories, Molecular Genetics and Genomics, ARUP Laboratories
Classification: Likely pathogenic for Wilson disease. Last evaluated: 2024-07-05. Review status: criteria provided, single submitter. Criteria: ARUP Molecular Germline Variant Investigation Process 2024. Collection method: clinical testing. Allele origin: germline.
Comment: The ATP7B c.3716T>G; p.Val1239Gly variant (rs374628199, ClinVar Variation ID 456557) is reported in the literature in individuals affected with Wilson disease (Coffey 2013, Curtis 1999, Li 2021). This variant is only observed on one allele in the Genome Aggregation Database (v2.1.1), indicating it is not a common polymorphism. Computational analyses predict that this variant is deleterious (REVEL: 0.962), and in vitro functional analyses demonstrate low protein expression and a deleterious effect on protein function (Luoma 2010). Additionally, another variant at this codon (c.3715G>T; p.Val1239Phe) has been reported in individuals affected with Wilson disease (Li 2021, Zhang 2022). Based on available information, the p.Val1239Gly variant is considered to be likely pathogenic. References: Coffey AJ et al. A genetic study of Wilson's disease in the United Kingdom. Brain. 2013 May;136(Pt 5):1476-87. PMID: 23518715. Curtis D et al. A study of Wilson disease mutations in Britain. Hum Mutat. 1999;14(4):304-11. PMID: 10502777. Li M et al. Mutation analysis of the ATP7B gene and genotype-phenotype correlation in Chinese patients with Wilson disease. BMC Gastroenterol. 2021 Sep 1;21(1):339. PMID: 34470610. Luoma LM et al. Functional analysis of mutations in the ATP loop of the Wilson disease copper transporter, ATP7B. Hum Mutat. 2010 May;31(5):569-77. PMID: 20333758. Zhang S et al. Clinical and genetic characterization of a large cohort of patients with Wilson's disease in China. Transl Neurodegener. 2022 Feb 28;11(1):13. PMID: 35220961.

All of Us Research Program, National Institutes of Health
Classification: Likely pathogenic for Wilson disease. Last evaluated: 2024-06-09. Review status: criteria provided, single submitter. Criteria: ACMG Guidelines, 2015. Collection method: clinical testing. Allele origin: germline. Inheritance: Autosomal recessive inheritance. Observed: 2 variant alleles, 2 heterozygotes.
Comment: This missense variant replaces valine with glycine at codon 1239 of the ATP7B protein. Computational prediction suggests that this variant may have deleterious impact on protein structure and function (internally defined REVEL score threshold >= 0.7, PMID: 27666373). This variant alters a conserved valine residue in the phosphorylation domain of the ATP7B protein (a.a. 1004 - 1031, 1197 - 1312), a highly conserved region that is considered to be important for ATP7B protein function (PMID: 35245129; ClinVar). A functional study in yeast has shown that this variant results in the lack of ATP7B protein expression and inability to complement ccc2 deficiency (PMID: 20333758). This variant has been observed in individuals affected with autosomal recessive Wilson disease (PMID: 10502777, 23518715, 34470610), including at least one individual in the compound heterozygous state with a second pathogenic ATP7B variant (PMID: 23518715). This variant has been identified in 1/249548 chromosomes in the general population by the Genome Aggregation Database (gnomAD). Based on the available evidence, this variant is classified as Likely Pathogenic.

This study involves interpretation of variants in research participants for the purpose of population health screening. Participant phenotype was not available at the time of variant classification. Additional details can be found in publication PMID: 35346344, PMCID: PMC8962531

Fulgent Genetics
Classification: Likely pathogenic for Wilson disease. Last evaluated: 2024-05-22. Review status: criteria provided, single submitter. Criteria: ACMG Guidelines, 2015. Collection method: clinical testing. Allele origin: germline.

Color Diagnostics, LLC DBA Color Health
Classification: Likely pathogenic for Wilson disease. Last evaluated: 2024-04-11. Review status: criteria provided, single submitter. Criteria: ACMG Guidelines, 2015. Collection method: clinical testing. Allele origin: germline.
Comment: This missense variant replaces valine with glycine at codon 1239 of the ATP7B protein. Computational prediction suggests that this variant may have deleterious impact on protein structure and function. This variant alters a conserved valine residue in the phosphorylation domain of the ATP7B protein (a.a. 1004 - 1031, 1197 - 1312), a highly conserved region that is considered to be important for ATP7B protein function (PMID: 35245129; ClinVar). A functional study in yeast has shown that this variant results in the lack of ATP7B protein expression and inability to complement ccc2 deficiency (PMID: 20333758). This variant has been observed in individuals affected with autosomal recessive Wilson disease (PMID: 10502777, 23518715, 34470610), including at least one individual in the compound heterozygous state with a second pathogenic ATP7B variant (PMID: 23518715). This variant has been identified in 1/249548 chromosomes in the general population by the Genome Aggregation Database (gnomAD). Based on the available evidence, this variant is classified as Likely Pathogenic.

Genome-Nilou Lab
Classification: Uncertain significance for Wilson disease. Last evaluated: 2021-08-10. Review status: criteria provided, single submitter. Criteria: ACMG Guidelines, 2015. Collection method: clinical testing. Allele origin: germline. Affected: no.

Mayo Clinic Laboratories, Mayo Clinic
Classification: Likely pathogenic. Last evaluated: 2019-09-30. Review status: criteria provided, single submitter. Criteria: ACMG Guidelines, 2015. Collection method: clinical testing. Allele origin: germline. Observed: 1 variant allele.
Comment: PS3, PM2

Ambry Genetics
Classification: Likely pathogenic for Inborn genetic diseases. Last evaluated: 2016-03-22. Review status: criteria provided, single submitter. Criteria: Ambry Variant Classification Scheme 2023. Collection method: clinical testing. Allele origin: germline.
Comment: The p.V1239G variant (also known as c.3716T>G), located in coding exon 18 of the ATP7B gene, results from a T to G substitution at nucleotide position 3716. The valine at codon 1239 is replaced by glycine, an amino acid with dissimilar properties. Functional studies of this alteration showed low protein expression and a deleterious impact on the protein function (Luoma LM, Hum. Mutat. 2010 May; 31(5):569-77). This variant was previously reported in the SNPDatabase as rs374628199. Based on data from the NHLBI Exome Sequencing Project (ESP), the G allele has an overall frequency of approximately 0.01% (1/12418) total alleles studied and 0.01% (1/8380) European American alleles. This amino acid position is highly conserved in available vertebrate species. In addition, this alteration is predicted to be deleterious by in silico analysis. Based on the majority of available evidence to date, this variant is likely to be pathogenic.

Natera, Inc.
Classification: Uncertain significance for Wilson disease. Last evaluated: 2020-09-16. Review status: no assertion criteria provided. Collection method: clinical testing. Allele origin: germline. Not counted in ClinVar's aggregate classification.

Counsyl
Classification: Uncertain significance for Wilson disease. Last evaluated: 2017-05-26. Review status: no assertion criteria provided. Collection method: clinical testing. Allele origin: unknown. Not counted in ClinVar's aggregate classification.

Literature cited by the submitters: PubMed 10502777 (cited by 5 submitters); PubMed 23518715 (cited by 5 submitters); PubMed 34470610 (cited by 4 submitters); PubMed 22692182 (cited by Labcorp Genetics (formerly Invitae), Labcorp); PubMed 27022412 (cited by Labcorp Genetics (formerly Invitae), Labcorp); PubMed 35220961 (cited by Labcorp Genetics (formerly Invitae), Labcorp); PubMed 39093796 (cited by Labcorp Genetics (formerly Invitae), Labcorp); PubMed 20333758 (cited by 5 submitters); PubMed 35245129 (cited by All of Us Research Program, National Institutes of Health and Color Diagnostics, LLC DBA Color Health).